The following is an entry in ClinVar:

NM_001379286.1(ZNF423):c.1069G>A (p.Asp357Asn)

Gene: ZNF423 (zinc finger protein 423; minus strand). Cytogenetic location: 16q12.1.
Variant type: single nucleotide variant.
Coding change: c.1069G>A on transcript NM_001379286.1 (MANE Select); coding-DNA position 1069, G replaced by A.
Protein change: p.Asp357Asn; replaces aspartic acid 357 with asparagine.
Molecular consequence: missense variant.
Genome position (GRCh38, 1-based): chr16:49,638,107, C>T on the plus strand (G>A on the coding strand, the complement: ZNF423 is on the minus strand). VCF-style: chr16-49638107-C-T. GRCh37 (hg19) VCF-style: chr16-49672018-C-T.
Other names: c.865G>A, p.Asp289Asn (NM_001271620.2); c.694G>A, p.Asp232Asn (NM_001330533.2); c.1045G>A, p.Asp349Asn (NM_015069.5); short protein forms D289N, D349N, D232N, D357N.
Identifiers: ClinVar variation 473053 (VCV000473053.8), dbSNP rs1045777723, ClinGen allele CA281213025.
Genomic context (GRCh38, chr16:49,638,107, plus strand): 5'-TGCTCATGGAGGCCACGCTGCCCAGTACAGGGTCGGGACTGACACTGTGGTTGCTGGAGT[C>T]GGGCTGCCGGTGGCTGTCCAGGTGGCAGTAGACACCTTCCACTGAGGAGAACTGCTCAGG-3'
Protein context (NP_001366215.1, residues 347-367): YCHLDSHRQP[Asp357Asn]SSNHSVSPDP

ClinVar aggregate classification (germline): Uncertain significance (1 of 4 stars; one submission).

Conditions:
Nephronophthisis 14 (NPHP14). Identifiers: Orphanet 2318, MedGen C3539071, MONDO:0013916, OMIM 614844.

Allele frequency attached by ClinVar (database versions not stated): gnomAD 0.00001; gnomAD exomes 0.00001; TOPMed 0.00002.

Submission:

Labcorp Genetics (formerly Invitae), Labcorp
Classification: Uncertain significance for Nephronophthisis 14. Last evaluated: 2024-09-05. Review status: criteria provided, single submitter. Criteria: Invitae Variant Classification Sherloc (09022015). Collection method: clinical testing. Allele origin: germline.
Comment: This sequence change replaces aspartic acid, which is acidic and polar, with asparagine, which is neutral and polar, at codon 349 of the ZNF423 protein (p.Asp349Asn). This variant is present in population databases (no rsID available, gnomAD 0.006%). This variant has not been reported in the literature in individuals affected with ZNF423-related conditions. ClinVar contains an entry for this variant (Variation ID: 473053). Invitae Evidence Modeling of protein sequence and biophysical properties (such as structural, functional, and spatial information, amino acid conservation, physicochemical variation, residue mobility, and thermodynamic stability) indicates that this missense variant is not expected to disrupt ZNF423 protein function with a negative predictive value of 80%. In summary, the available evidence is currently insufficient to determine the role of this variant in disease. Therefore, it has been classified as a Variant of Uncertain Significance.